The following is an entry in ClinVar:

NM_000122.2(ERCC3):c.701G>A (p.Arg234Gln)

Gene: ERCC3 (ERCC excision repair 3, TFIIH core complex helicase subunit; minus strand). Cytogenetic location: 2q14.3.
Variant type: single nucleotide variant.
Coding change: c.701G>A on transcript NM_000122.2 (MANE Select); coding-DNA position 701, G replaced by A.
Protein change: p.Arg234Gln; replaces arginine 234 with glutamine.
Molecular consequence: missense variant.
Genome position (GRCh38, 1-based): chr2:127,289,458, C>T on the plus strand (G>A on the coding strand, the complement: ERCC3 is on the minus strand). VCF-style: chr2-127289458-C-T. GRCh37 (hg19) VCF-style: chr2-128047034-C-T.
Other names: c.509G>A, p.Arg170Gln (NM_001303416.2, NM_001303418.2); short protein forms R170Q, R234Q.
Identifiers: ClinVar variation 1366666 (VCV001366666.6), dbSNP rs1249110579, ClinGen allele CA348390909.

ClinVar aggregate classification (germline): Uncertain significance. Review status: criteria provided, multiple submitters, no conflicts (2 of 4 stars). 2 submissions from 2 submitters: Uncertain significance (2). Last evaluated 2024-02-19.

Conditions:
Xeroderma pigmentosum group B. Also called: ERCC3-Related Xeroderma Pigmentosum; XP, GROUP B; XPB/CS; XERODERMA PIGMENTOSUM B/COCKAYNE SYNDROME. Identifiers: MedGen C0268136, MONDO:0012531, OMIM 610651.
Trichothiodystrophy 2, photosensitive (TTD2). Identifiers: Orphanet 33364, MedGen C4225344, MONDO:0014615, OMIM 616390.

Allele frequency attached by ClinVar (database versions not stated): gnomAD exomes below 0.00001.
gnomAD v4.1: 5 of 1,612,930 alleles (0.00031%); highest among the groups gnomAD compares: Admixed American, 0.0017%; no homozygotes.

Submissions (2):

Fulgent Genetics
Classification: Uncertain significance for Xeroderma pigmentosum group B; Trichothiodystrophy 2, photosensitive. Last evaluated: 2024-02-19. Review status: criteria provided, single submitter. Criteria: ACMG Guidelines, 2015. Collection method: clinical testing. Allele origin: germline.

Labcorp Genetics (formerly Invitae), Labcorp
Classification: Uncertain significance. Last evaluated: 2021-08-30. Review status: criteria provided, single submitter. Criteria: Invitae Variant Classification Sherloc (09022015). Collection method: clinical testing. Allele origin: germline.
Comment: This sequence change replaces arginine with glutamine at codon 234 of the ERCC3 protein (p.Arg234Gln). The arginine residue is weakly conserved and there is a small physicochemical difference between arginine and glutamine. This variant is not present in population databases (ExAC no frequency). This variant has not been reported in the literature in individuals affected with ERCC3-related conditions. Algorithms developed to predict the effect of missense changes on protein structure and function output the following: SIFT: "Tolerated"; PolyPhen-2: "Benign"; Align-GVGD: "Class C0". The glutamine amino acid residue is found in multiple mammalian species, which suggests that this missense change does not adversely affect protein function. In summary, the available evidence is currently insufficient to determine the role of this variant in disease. Therefore, it has been classified as a Variant of Uncertain Significance.